The following is an entry in ClinVar:

ClinVar aggregate classification (germline): Uncertain significance (1 of 4 stars; one submission).

Submission:

Labcorp Genetics (formerly Invitae), Labcorp
Classification: Uncertain significance. Last evaluated: 2025-06-11. Review status: criteria provided, single submitter. Criteria: Invitae Variant Classification Sherloc (09022015). Collection method: clinical testing. Allele origin: germline.
Comment: This sequence change replaces leucine, which is neutral and non-polar, with isoleucine, which is neutral and non-polar, at codon 160 of the ERBIN protein (p.Leu160Ile). This variant is not present in population databases (gnomAD no frequency). This variant has not been reported in the literature in individuals affected with ERBIN-related conditions. An algorithm developed to predict the effect of missense changes on protein structure and function (PolyPhen-2) suggests that this variant is likely to be disruptive. In summary, the available evidence is currently insufficient to determine the role of this variant in disease. Therefore, it has been classified as a Variant of Uncertain Significance.

NM_001253697.2(ERBIN):c.478T>A (p.Leu160Ile)

Gene: ERBIN (erbb2 interacting protein; plus strand). Cytogenetic location: 5q12.3.
Variant type: single nucleotide variant.
Coding change: c.478T>A on transcript NM_001253697.2 (MANE Select); coding-DNA position 478, T replaced by A.
Protein change: p.Leu160Ile; replaces leucine 160 with isoleucine.
Molecular consequence: missense variant.
Genome position (GRCh38, 1-based): chr5:66,014,670, T>A. VCF-style: chr5-66014670-T-A. GRCh37 (hg19) VCF-style: chr5-65310498-T-A.
Other names: c.478T>A, p.Leu160Ile (NM_001006600.3, NM_001253698.2, NM_001253699.2 and 2 more transcripts); short protein forms L160I.
Identifiers: ClinVar variation 4720910 (VCV004720910.1).